The following is an entry in ClinVar:

ClinVar aggregate classification (germline): Conflicting classifications of pathogenicity. Review status: criteria provided, conflicting classifications (1 of 4 stars). 4 submissions from 4 submitters: Uncertain significance (2); Likely benign (1). 1 of the submissions does not count toward it. Last evaluated 2025-10-09.

Conditions:
Becker muscular dystrophy (BMD). Also called: MUSCULAR DYSTROPHY, PSEUDOHYPERTROPHIC PROGRESSIVE, BECKER TYPE; Becker Muscular Dystrophy (BMD). Identifiers: Orphanet 98895, MedGen C0917713, MONDO:0010311, OMIM 300376.
Cardiomyopathy (CMYO). Also called: Cardiomyopathies. Identifiers: Orphanet 167848, MedGen C0878544, MONDO:0004994, HP:0001638. Inheritance: Various modes of inheritance.
Duchenne muscular dystrophy (DMD). Also called: MUSCULAR DYSTROPHY, PSEUDOHYPERTROPHIC PROGRESSIVE, DUCHENNE TYPE; Duchenne Muscular Dystrophy (DMD). Identifiers: Orphanet 98896, MedGen C0013264, MONDO:0010679, OMIM 310200.
Dystrophin deficiency.
Dilated cardiomyopathy 3B (CMD3B). Also called: CMD3B: DMD-Related Dilated Cardiomyopathy; CARDIOMYOPATHY, DILATED, X-LINKED; DMD-Associated Dilated Cardiomyopathy. Identifiers: Orphanet 154, MedGen C3668940, MONDO:0010542, OMIM 302045.

Allele frequency attached by ClinVar (database versions not stated): ExAC 0.00001; gnomAD 0.00001; gnomAD exomes 0.00001 and 0.00002; TOPMed 0.00001.
gnomAD v4.1: 8 of 1,209,928 alleles (0.00066%); highest among the groups gnomAD compares: Non-Finnish European, 0.00089%; no homozygotes.

Submissions (4):

Labcorp Genetics (formerly Invitae), Labcorp
Classification: Likely benign for Duchenne muscular dystrophy. Last evaluated: 2025-10-09. Review status: criteria provided, single submitter. Criteria: Invitae Variant Classification Sherloc (09022015). Collection method: clinical testing. Allele origin: germline.

Fulgent Genetics
Classification: Uncertain significance for Becker muscular dystrophy; Dilated cardiomyopathy 3B; Duchenne muscular dystrophy. Last evaluated: 2021-11-17. Review status: criteria provided, single submitter. Criteria: ACMG Guidelines, 2015. Collection method: clinical testing. Allele origin: unknown.

GeneDx
Classification: Uncertain significance. Last evaluated: 2017-01-26. Review status: criteria provided, single submitter. Criteria: GeneDx Variant Classification (06012015). Collection method: clinical testing. Allele origin: germline. Affected: yes.
Comment: A variant of uncertain significance has been identified in the DMD gene. The N370I variant has not been published as pathogenic or been reported as benign to our knowledge. This variant is not observed at a significant frequency in large population cohorts (Lek et al., 2016; 1000 Genomes Consortium et al., 2015; Exome Variant Server). The N370I variant is a non-conservative amino acid substitution, which is likely to impact secondary protein structure as these residues differ in polarity, charge, size and/or other properties. Nevertheless, this substitution occurs at a position that is not conserved. Additionally, in silico analysis is inconsistent in its predictions as to whether or not the variant is damaging to the protein structure/function.

Natera, Inc.
Classification: Uncertain significance for Becker muscular dystrophy; Cardiomyopathy; Duchenne muscular dystrophy; Dystrophin deficiency. Last evaluated: 2018-12-19. Review status: no assertion criteria provided. Collection method: clinical testing. Allele origin: germline. Not counted in ClinVar's aggregate classification.

NM_004006.3(DMD):c.1109A>T (p.Asn370Ile)

Gene: DMD (dystrophin; minus strand). Cytogenetic location: Xp21.1.
Variant type: single nucleotide variant.
Coding change: c.1109A>T on transcript NM_004006.3 (MANE Select); coding-DNA position 1109, A replaced by T.
Protein change: p.Asn370Ile; replaces asparagine 370 with isoleucine.
Molecular consequence: missense variant.
Genome position (GRCh38, 1-based): chrX:32,645,004, T>A on the plus strand (A>T on the coding strand, the complement: DMD is on the minus strand). VCF-style: chrX-32645004-T-A. GRCh37 (hg19) VCF-style: chrX-32663121-T-A.
Other names: c.1085A>T, p.Asn362Ile (NM_000109.4); c.1097A>T, p.Asn366Ile (NM_004009.3); c.740A>T, p.Asn247Ile (NM_004010.3); short protein forms N370I, N366I, N247I, N362I.
Identifiers: ClinVar variation 393185 (VCV000393185.9), dbSNP rs773299186, ClinGen allele CA10379972.